The following is an entry in ClinVar:

NM_173728.4(ARHGEF15):c.1037C>T (p.Pro346Leu)

Gene: ARHGEF15 (Rho guanine nucleotide exchange factor 15; plus strand). Cytogenetic location: 17p13.1.
Variant type: single nucleotide variant.
Coding change: c.1037C>T on transcript NM_173728.4 (MANE Select); coding-DNA position 1037, C replaced by T.
Protein change: p.Pro346Leu; replaces proline 346 with leucine.
Molecular consequence: missense variant.
Genome position (GRCh38, 1-based): chr17:8,314,953, C>T. VCF-style: chr17-8314953-C-T. GRCh37 (hg19) VCF-style: chr17-8218271-C-T.
Other names: c.1037C>T, p.Pro346Leu (NM_025014.2); short protein forms P346L.
Identifiers: ClinVar variation 1021906 (VCV001021906.9), dbSNP rs1156679943, ClinGen allele CA398018673.

ClinVar aggregate classification (germline): Uncertain significance (1 of 4 stars; one submission).

Conditions:
Early-infantile DEE. Also called: Ohtahara syndrome; Early infantile epileptic encephalopathy; Early infantile epileptic encephalopathy with suppression bursts. Identifiers: Orphanet 1934, MedGen C0393706, MONDO:0800491.

Allele frequency attached by ClinVar (database versions not stated): TOPMed below 0.00001.

Submission:

Labcorp Genetics (formerly Invitae), Labcorp
Classification: Uncertain significance for Early-infantile DEE. Last evaluated: 2020-05-04. Review status: criteria provided, single submitter. Criteria: Invitae Variant Classification Sherloc (09022015). Collection method: clinical testing. Allele origin: germline.
Comment: This sequence change replaces proline with leucine at codon 346 of the ARHGEF15 protein (p.Pro346Leu). The proline residue is highly conserved and there is a moderate physicochemical difference between proline and leucine. This variant is not present in population databases (ExAC no frequency). Algorithms developed to predict the effect of missense changes on protein structure and function (SIFT, PolyPhen-2, Align-GVGD) all suggest that this variant is likely to be disruptive, but these predictions have not been confirmed by published functional studies and their clinical significance is uncertain. In summary, the available evidence is currently insufficient to determine the role of this variant in disease. Therefore, it has been classified as a Variant of Uncertain Significance. This variant has not been reported in the literature in individuals with ARHGEF15-related conditions.